The following is an entry in ClinVar:

NM_004523.4(KIF11):c.2007A>T (p.Glu669Asp)

Gene: KIF11 (kinesin family member 11; plus strand). Cytogenetic location: 10q23.33.
Variant type: single nucleotide variant.
Coding change: c.2007A>T on transcript NM_004523.4 (MANE Select); coding-DNA position 2007, A replaced by T.
Protein change: p.Glu669Asp; replaces glutamic acid 669 with aspartic acid.
Molecular consequence: missense variant.
Genome position (GRCh38, 1-based): chr10:92,637,392, A>T. VCF-style: chr10-92637392-A-T. GRCh37 (hg19) VCF-style: chr10-94397149-A-T.
Other names: short protein forms E669D.
Identifiers: ClinVar variation 1367345 (VCV001367345.8), dbSNP rs772924103, ClinGen allele CA5604313.
Genomic context (GRCh38, chr10:92,637,392, plus strand): 5'-TATCTCAAAATTGATGTGTTGTTTAAGAAGGAAACTCATTTTTGTTTCTTCAAAGATAGA[A>T]GATCAAAAAAAGGAACTAGATGGCTTTCTCAGTATACTGTGTAACAATCTACATGAACTA-3'
Protein context (NP_004514.2, residues 659-679): KTSLTVADKI[Glu669Asp]DQKKELDGFL

ClinVar aggregate classification (germline): Uncertain significance (1 of 4 stars; one submission).

Allele frequency attached by ClinVar (database versions not stated): ExAC 0.00001; TOPMed 0.00001; gnomAD exomes 0.00002.
gnomAD v4.1: 7 of 1,578,794 alleles (0.00044%); highest among the groups gnomAD compares: East Asian, 0.014%; no homozygotes.

Submission:

Labcorp Genetics (formerly Invitae), Labcorp
Classification: Uncertain significance. Last evaluated: 2022-07-05. Review status: criteria provided, single submitter. Criteria: Invitae Variant Classification Sherloc (09022015). Collection method: clinical testing. Allele origin: germline.
Comment: This sequence change replaces glutamic acid, which is acidic and polar, with aspartic acid, which is acidic and polar, at codon 669 of the KIF11 protein (p.Glu669Asp). In summary, the available evidence is currently insufficient to determine the role of this variant in disease. Therefore, it has been classified as a Variant of Uncertain Significance. Algorithms developed to predict the effect of missense changes on protein structure and function (SIFT, PolyPhen-2, Align-GVGD) all suggest that this variant is likely to be tolerated. ClinVar contains an entry for this variant (Variation ID: 1367345). This variant has not been reported in the literature in individuals affected with KIF11-related conditions. This variant is present in population databases (rs772924103, gnomAD 0.03%).